The following is an entry in ClinVar:

ClinVar aggregate classification (germline): Pathogenic (1 of 4 stars; one submission).

gnomAD v4.1: 8 of 1,614,120 alleles (0.0005%); highest among the groups gnomAD compares: Non-Finnish European, 0.00068%; no homozygotes.

Submission:

Labcorp Genetics (formerly Invitae), Labcorp
Classification: Pathogenic. Last evaluated: 2024-01-29. Review status: criteria provided, single submitter. Criteria: Invitae Variant Classification Sherloc (09022015). Collection method: clinical testing. Allele origin: germline.
Comment: This sequence change creates a premature translational stop signal (p.Cys1162*) in the TTC37 gene. It is expected to result in an absent or disrupted protein product. Loss-of-function variants in TTC37 are known to be pathogenic (PMID: 20176027, 21120949). This variant is not present in population databases (gnomAD no frequency). This variant has not been reported in the literature in individuals affected with TTC37-related conditions. For these reasons, this variant has been classified as Pathogenic.

Literature cited by the submitters: PubMed 20176027; PubMed 21120949.

NM_014639.4(SKIC3):c.3486C>A (p.Cys1162Ter)

Gene: SKIC3 (SKI3 subunit of superkiller complex; minus strand). Cytogenetic location: 5q15.
Variant type: single nucleotide variant.
Coding change: c.3486C>A on transcript NM_014639.4 (MANE Select); coding-DNA position 3486, C replaced by A.
Protein change: p.Cys1162Ter; replaces cysteine 1162 with a stop codon.
Molecular consequence: nonsense.
Genome position (GRCh38, 1-based): chr5:95,498,447, G>T on the plus strand (C>A on the coding strand, the complement: SKIC3 is on the minus strand). VCF-style: chr5-95498447-G-T. GRCh37 (hg19) VCF-style: chr5-94834151-G-T.
Other names: short protein forms C1162*.
Identifiers: ClinVar variation 2713950 (VCV002713950.3), dbSNP rs1746796602, ClinGen allele CA360450729.